The following is an entry in ClinVar:

ClinVar aggregate classification (germline): Uncertain significance (1 of 4 stars; one submission).

Submission:

Ambry Genetics
Classification: Uncertain significance. Last evaluated: 2021-09-17. Review status: criteria provided, single submitter. Criteria: Ambry Variant Classification Scheme 2023. Collection method: clinical testing. Allele origin: germline.
Comment: The p.I1398T variant (also known as c.4193T>C), located in coding exon 4 of the ALPK2 gene, results from a T to C substitution at nucleotide position 4193. The isoleucine at codon 1398 is replaced by threonine, an amino acid with similar properties. This amino acid position is conserved. In addition, this alteration is predicted to be tolerated by in silico analysis. Since supporting evidence is limited at this time, the clinical significance of this alteration remains unclear.

NM_052947.4(ALPK2):c.4193T>C (p.Ile1398Thr)

Genes: ALPK2 (alpha kinase 2; minus strand), LOC126862764 (BRD4-independent group 4 enhancer GRCh37_chr18:56202574-56203773; plus strand). Cytogenetic location: 18q21.31.
Variant type: single nucleotide variant.
Coding change: c.4193T>C on transcript NM_052947.4 (MANE Select); coding-DNA position 4193, T replaced by C.
Protein change: p.Ile1398Thr; replaces isoleucine 1398 with threonine.
Molecular consequence: missense variant.
Genome position (GRCh38, 1-based): chr18:58,535,994, A>G on the plus strand (T>C on the coding strand, the complement: ALPK2 is on the minus strand). VCF-style: chr18-58535994-A-G. GRCh37 (hg19) VCF-style: chr18-56203226-A-G.
Other names: short protein forms I1398T.
Identifiers: ClinVar variation 1738589 (VCV001738589.2), dbSNP rs2518875231, ClinGen allele CA402563751.